The following is an entry in ClinVar:

NM_020832.3(ZNF687):c.1948G>A (p.Ala650Thr)

Gene: ZNF687 (zinc finger protein 687; plus strand). Cytogenetic location: 1q21.3.
Variant type: single nucleotide variant.
Coding change: c.1948G>A on transcript NM_020832.3 (MANE Select); coding-DNA position 1948, G replaced by A.
Protein change: p.Ala650Thr; replaces alanine 650 with threonine.
Molecular consequence: missense variant.
Genome position (GRCh38, 1-based): chr1:151,288,239, G>A. VCF-style: chr1-151288239-G-A. GRCh37 (hg19) VCF-style: chr1-151260715-G-A.
Other names: c.1948G>A, p.Ala650Thr (NM_001304763.2, NM_001304764.2); short protein forms A650T.
Identifiers: ClinVar variation 2065714 (VCV002065714.5), dbSNP rs138210991, ClinGen allele CA1088421.

ClinVar aggregate classification (germline): Uncertain significance. Review status: criteria provided, multiple submitters, no conflicts (2 of 4 stars). 2 submissions from 2 submitters: Uncertain significance (2). Last evaluated 2025-11-25.

Allele frequency attached by ClinVar (database versions not stated): gnomAD 0.00027; ExAC 0.00028; TOPMed 0.00029; gnomAD exomes 0.00053; ESP Exome Variant Server 0.00077.
gnomAD v4.1: 802 of 1,613,472 alleles (0.05%); highest among the groups gnomAD compares: Non-Finnish European, 0.064%; no homozygotes.

Submissions (2):

Labcorp Genetics (formerly Invitae), Labcorp
Classification: Uncertain significance. Last evaluated: 2025-11-25. Review status: criteria provided, single submitter. Criteria: Invitae Variant Classification Sherloc (09022015). Collection method: clinical testing. Allele origin: germline.
Comment: This sequence change replaces alanine, which is neutral and non-polar, with threonine, which is neutral and polar, at codon 650 of the ZNF687 protein (p.Ala650Thr). This variant is present in population databases (rs138210991, gnomAD 0.05%), and has an allele count higher than expected for a pathogenic variant. This variant has not been reported in the literature in individuals affected with ZNF687-related conditions. ClinVar contains an entry for this variant (Variation ID: 2065714). An algorithm developed to predict the effect of missense changes on protein structure and function outputs the following: PolyPhen-2: "Benign". The threonine amino acid residue is found in multiple mammalian species, which suggests that this missense change does not adversely affect protein function. In summary, the available evidence is currently insufficient to determine the role of this variant in disease. Therefore, it has been classified as a Variant of Uncertain Significance.

Ambry Genetics
Classification: Uncertain significance. Last evaluated: 2024-02-06. Review status: criteria provided, single submitter. Criteria: Ambry Variant Classification Scheme 2023. Collection method: clinical testing. Allele origin: germline.